The following is an entry in ClinVar:

NM_000051.4(ATM):c.4146A>C (p.Pro1382=)

Gene: ATM (ATM serine/threonine kinase; plus strand). Cytogenetic location: 11q22.3.
Variant type: single nucleotide variant.
Coding change: c.4146A>C on transcript NM_000051.4 (MANE Select); coding-DNA position 4146, A replaced by C.
Protein change: p.Pro1382=; no amino-acid change (proline 1382 retained).
Molecular consequence: synonymous variant.
Genome position (GRCh38, 1-based): chr11:108,289,013, A>C. VCF-style: chr11-108289013-A-C. GRCh37 (hg19) VCF-style: chr11-108159740-A-C.
Other names: c.4146A>C, p.Pro1382= (NM_001351834.2).
Identifiers: ClinVar variation 2025197 (VCV002025197.5), dbSNP rs147738621, ClinGen allele CA476673692.

ClinVar aggregate classification (germline): Benign/Likely benign. Review status: criteria provided, multiple submitters, no conflicts (2 of 4 stars). 2 submissions from 2 submitters: Benign (1); Likely benign (1). Last evaluated 2024-05-16.

Conditions:
Familial cancer of breast. Also called: BREAST CANCER, FAMILIAL; hereditary breast carcinoma; Hereditary breast cancer. Identifiers: Orphanet 227535, MedGen C0346153, MONDO:0016419, OMIM 114480. Disease mechanism: loss of function.
Ataxia-telangiectasia syndrome (AT). Also called: Ataxia-telangiectasia; AT, COMPLEMENTATION GROUP C; ATAXIA-TELANGIECTASIA, FRESNO VARIANT; Ataxia-telangiectasia, complementation group D; Ataxia-telangiectasia, complementation group E; LOUIS-BAR SYNDROME. Identifiers: Orphanet 100, MedGen C0004135, MONDO:0008840, OMIM 208900.

Submissions (2):

Myriad Genetics, Inc.
Classification: Benign for Familial cancer of breast. Last evaluated: 2024-05-16. Review status: criteria provided, single submitter. Criteria: Myriad Autosomal Dominant, Autosomal Recessive and X-Linked Classification Criteria (2023). Collection method: clinical testing. Allele origin: unknown.
Comment: This variant is considered benign. This variant is a silent/synonymous amino acid change and it is not expected to impact splicing.

Labcorp Genetics (formerly Invitae), Labcorp
Classification: Likely benign for Ataxia-telangiectasia syndrome. Last evaluated: 2022-08-20. Review status: criteria provided, single submitter. Criteria: Invitae Variant Classification Sherloc (09022015). Collection method: clinical testing. Allele origin: germline.